The following is an entry in ClinVar:

NM_021975.4(RELA):c.1626C>A (p.Phe542Leu)

Gene: RELA (RELA proto-oncogene, NF-kB subunit; minus strand). Cytogenetic location: 11q13.1.
Variant type: single nucleotide variant.
Coding change: c.1626C>A on transcript NM_021975.4 (MANE Select); coding-DNA position 1626, C replaced by A.
Protein change: p.Phe542Leu; replaces phenylalanine 542 with leucine.
Molecular consequence: missense variant.
Genome position (GRCh38, 1-based): chr11:65,654,408, G>T on the plus strand (C>A on the coding strand, the complement: RELA is on the minus strand). VCF-style: chr11-65654408-G-T. GRCh37 (hg19) VCF-style: chr11-65421879-G-T.
Other names: c.1617C>A, p.Phe539Leu (NM_001145138.2); c.1419C>A, p.Phe473Leu (NM_001243984.2); c.1317C>A, p.Phe439Leu (NM_001243985.2); c.1659C>A, p.Phe553Leu (NM_001404657.1); c.1599C>A, p.Phe533Leu (NM_001404658.1); c.1413C>A, p.Phe471Leu (NM_001404659.1); c.1308C>A, p.Phe436Leu (NM_001404660.1); c.1245C>A, p.Phe415Leu (NM_001404661.1); and 1 more; short protein forms F436L, F439L, F471L, F539L, F553L, F533L, F473L, F511L.
Identifiers: ClinVar variation 2811307 (VCV002811307.3), dbSNP rs1227655115, ClinGen allele CA381386156.

ClinVar aggregate classification (germline): Uncertain significance (1 of 4 stars; one submission).

Allele frequency attached by ClinVar (database versions not stated): gnomAD exomes below 0.00001.
gnomAD v4.1: 1 of 1,612,714 alleles (0.000062%); highest among the groups gnomAD compares: East Asian, 0.0022%; no homozygotes.

Submission:

Labcorp Genetics (formerly Invitae), Labcorp
Classification: Uncertain significance. Last evaluated: 2022-11-01. Review status: criteria provided, single submitter. Criteria: Invitae Variant Classification Sherloc (09022015). Collection method: clinical testing. Allele origin: germline.
Comment: In summary, the available evidence is currently insufficient to determine the role of this variant in disease. Therefore, it has been classified as a Variant of Uncertain Significance. Algorithms developed to predict the effect of missense changes on protein structure and function output the following: SIFT: "Tolerated"; PolyPhen-2: "Benign"; Align-GVGD: "Class C0". The leucine amino acid residue is found in multiple mammalian species, which suggests that this missense change does not adversely affect protein function. This variant has not been reported in the literature in individuals affected with RELA-related conditions. This variant is present in population databases (no rsID available, gnomAD 0.006%). This sequence change replaces phenylalanine, which is neutral and non-polar, with leucine, which is neutral and non-polar, at codon 542 of the RELA protein (p.Phe542Leu).